The following is an entry in ClinVar:

NM_001363711.2(DUOX2):c.2212G>T (p.Val738Leu)

Gene: DUOX2 (dual oxidase 2; minus strand). Cytogenetic location: 15q21.1.
Variant type: single nucleotide variant.
Coding change: c.2212G>T on transcript NM_001363711.2 (MANE Select); coding-DNA position 2212, G replaced by T.
Protein change: p.Val738Leu; replaces valine 738 with leucine.
Molecular consequence: missense variant.
Genome position (GRCh38, 1-based): chr15:45,105,765, C>A on the plus strand (G>T on the coding strand, the complement: DUOX2 is on the minus strand). VCF-style: chr15-45105765-C-A. GRCh37 (hg19) VCF-style: chr15-45397963-C-A.
Other names: c.2212G>T, p.Val738Leu (NM_014080.5); short protein forms V738L.
Identifiers: ClinVar variation 3674165 (VCV003674165.2).
Genomic context (GRCh38, chr15:45,105,765, plus strand): 5'-CCTTCCTAAATAGCTCCTTCTCGCTCATCTCAGCCACATGGAGGCCCAGAGCCCAGCGCA[C>A]GCAGAAGTCCCATAGCTGCTGCACAAAGGCGCCCCGTTCCTCTTCAGAACTAAACAGCAG-3'
Protein context (NP_001350640.1, residues 728-748): AFVQQLWDFC[Val738Leu]RWALGLHVAE

ClinVar aggregate classification (germline): Uncertain significance (1 of 4 stars; one submission).

gnomAD v4.1: 2 of 1,614,130 alleles (0.00012%); highest among the groups gnomAD compares: African/African-American, 0.0027%; no homozygotes.

Submission:

Labcorp Genetics (formerly Invitae), Labcorp
Classification: Uncertain significance. Last evaluated: 2024-06-18. Review status: criteria provided, single submitter. Criteria: Invitae Variant Classification Sherloc (09022015). Collection method: clinical testing. Allele origin: germline.
Comment: This sequence change replaces valine, which is neutral and non-polar, with leucine, which is neutral and non-polar, at codon 738 of the DUOX2 protein (p.Val738Leu). This variant is present in population databases (rs142350563, gnomAD 0.01%). This variant has not been reported in the literature in individuals affected with DUOX2-related conditions. Advanced modeling of protein sequence and biophysical properties (such as structural, functional, and spatial information, amino acid conservation, physicochemical variation, residue mobility, and thermodynamic stability) performed at Invitae indicates that this missense variant is not expected to disrupt DUOX2 protein function with a negative predictive value of 80%. In summary, the available evidence is currently insufficient to determine the role of this variant in disease. Therefore, it has been classified as a Variant of Uncertain Significance.